The following is an entry in ClinVar:

NM_019616.4(F7):c.1065G>A (p.Val355=)

Gene: F7 (coagulation factor VII; plus strand). Cytogenetic location: 13q34.
Variant type: single nucleotide variant.
Coding change: c.1065G>A on transcript NM_019616.4 (MANE Select); coding-DNA position 1065, G replaced by A.
Protein change: p.Val355=; no amino-acid change (valine 355 retained).
Molecular consequence: synonymous variant. On other transcripts: non-coding transcript variant (1).
Genome position (GRCh38, 1-based): chr13:113,118,738, G>A. VCF-style: chr13-113118738-G-A. GRCh37 (hg19) VCF-style: chr13-113773052-G-A.
Other names: c.1131G>A, p.Val377= (NM_000131.5); c.879G>A, p.Val293= (NM_001267554.2).
Identifiers: ClinVar variation 3346163 (VCV003346163.1).

ClinVar aggregate classification (germline): Likely benign (0 of 4 stars; one submission).

Conditions:
F7-related disorder. Also called: F7-related condition.

Submission:

PreventionGenetics, part of Exact Sciences
Classification: Likely benign for F7-related condition. Last evaluated: 2024-08-21. Review status: no assertion criteria provided. Collection method: clinical testing. Allele origin: germline.
Comment: This variant is classified as likely benign based on ACMG/AMP sequence variant interpretation guidelines (Richards et al. 2015 PMID: 25741868, with internal and published modifications).